The following is an entry in ClinVar:

ClinVar aggregate classification (germline): Benign/Likely benign. Review status: criteria provided, multiple submitters, no conflicts (2 of 4 stars). 2 submissions from 2 submitters: Benign (1); Likely benign (1). Last evaluated 2021-10-08.

Conditions:
Methylmalonate semialdehyde dehydrogenase deficiency (MMSDHD). Also called: MMSDH DEFICIENCY. Identifiers: Orphanet 289307, MedGen C3279840, MONDO:0013579, OMIM 614105.

Allele frequency attached by ClinVar (database versions not stated): gnomAD exomes 0.00047; gnomAD 0.01042 and 0.01119; TOPMed 0.01191; 1000 Genomes Project 0.01438; 1000 Genomes Project 30x 0.01499.
gnomAD v4.1: 1,570 of 156,616 alleles (1%); highest among the groups gnomAD compares: African/African-American, 3.6%; 32 homozygotes.

Submissions (2):

Fulgent Genetics
Classification: Likely benign for Methylmalonate semialdehyde dehydrogenase deficiency. Last evaluated: 2021-10-08. Review status: criteria provided, single submitter. Criteria: ACMG Guidelines, 2015. Collection method: clinical testing. Allele origin: unknown.

Illumina Laboratory Services, Illumina
Classification: Benign for Methylmalonate semialdehyde dehydrogenase deficiency. Last evaluated: 2018-01-13. Review status: criteria provided, single submitter. Criteria: ICSL Variant Classification Criteria 13 December 2019. Collection method: clinical testing. Allele origin: germline.
Comment: This variant was observed in the ICSL laboratory as part of a predisposition screen in an ostensibly healthy population. It had not been previously curated by ICSL or reported in the Human Gene Mutation Database (HGMD: prior to June 1st, 2018), and was therefore a candidate for classification through an automated scoring system. Utilizing variant allele frequency, disease prevalence and penetrance estimates, and inheritance mode, an automated score was calculated to assess if this variant is too frequent to cause the disease. Based on the score and internal cut-off values, a variant classified as benign is not then subjected to further curation. The score for this variant resulted in a classification of benign for this disease.

NM_005589.4(ALDH6A1):c.*2517T>C

Genes: ALDH6A1 (aldehyde dehydrogenase 6 family member A1; minus strand), BBOF1 (basal body orientation factor 1; plus strand). Cytogenetic location: 14q24.3.
Variant type: single nucleotide variant.
Coding change: c.*2517T>C on transcript NM_005589.4 (MANE Select); 2517 bases downstream of the stop codon, T replaced by C.
Molecular consequence: 3 prime UTR variant. On other transcripts: intron variant (1).
Genome position (GRCh38, 1-based): chr14:74,058,125, A>G on the plus strand (T>C on the coding strand, the complement: ALDH6A1 is on the minus strand). VCF-style: chr14-74058125-A-G. GRCh37 (hg19) VCF-style: chr14-74524828-A-G.
Other names: c.*2517T>C (NM_001278593.2, NM_001278594.2); c.1578+867A>G (NM_025057.3).
Identifiers: ClinVar variation 887995 (VCV000887995.5), dbSNP rs145794069, ClinGen allele CA263532994.